The following is an entry in ClinVar:

ClinVar aggregate classification (germline): Uncertain significance. Review status: criteria provided, multiple submitters, no conflicts (2 of 4 stars). 4 submissions from 4 submitters: Uncertain significance (4). Last evaluated 2026-01-04.

Conditions:
Hereditary cancer-predisposing syndrome. Also called: Hereditary neoplastic syndrome; Neoplastic Syndromes, Hereditary; Tumor predisposition; Hereditary Cancer Syndrome. Identifiers: Orphanet 140162, MedGen C0027672, MeSH D009386, MONDO:0015356.
Global developmental delay - lung cysts - overgrowth - Wilms tumor syndrome. Also called: GLOW Syndrome; GLOBAL DEVELOPMENTAL DELAY, LUNG CYSTS, OVERGROWTH, AND WILMS TUMOR. Identifiers: Orphanet 404476, MedGen C4748924, MONDO:0018445, OMIM 618272.
DICER1-related tumor predisposition. Also called: DICER1-related pleuropulmonary blastoma cancer predisposition syndrome; DICER1 syndrome. Identifiers: Orphanet 284343, MedGen C3839822, MONDO:0100216.

Allele frequency attached by ClinVar (database versions not stated): gnomAD 0.00001; gnomAD exomes 0.00001 and 0.00002; TOPMed 0.00001.
gnomAD v4.1: 24 of 1,613,822 alleles (0.0015%); highest among the groups gnomAD compares: East Asian, 0.0089%; no homozygotes.

Submissions (4):

Labcorp Genetics (formerly Invitae), Labcorp
Classification: Uncertain significance for DICER1-related tumor predisposition. Last evaluated: 2026-01-04. Review status: criteria provided, single submitter. Criteria: Invitae Variant Classification Sherloc (09022015). Collection method: clinical testing. Allele origin: germline.
Comment: This sequence change replaces isoleucine, which is neutral and non-polar, with valine, which is neutral and non-polar, at codon 1043 of the DICER1 protein (p.Ile1043Val). This variant is present in population databases (no rsID available, gnomAD 0.002%). This variant has not been reported in the literature in individuals affected with DICER1-related conditions. ClinVar contains an entry for this variant (Variation ID: 412052). Invitae Evidence Modeling of protein sequence and biophysical properties (such as structural, functional, and spatial information, amino acid conservation, physicochemical variation, residue mobility, and thermodynamic stability) indicates that this missense variant is not expected to disrupt DICER1 protein function with a negative predictive value of 95%. In summary, the available evidence is currently insufficient to determine the role of this variant in disease. Therefore, it has been classified as a Variant of Uncertain Significance.

Ambry Genetics
Classification: Uncertain significance for Hereditary cancer-predisposing syndrome. Last evaluated: 2025-09-19. Review status: criteria provided, single submitter. Criteria: Ambry Variant Classification Scheme 2023. Collection method: clinical testing. Allele origin: germline.
Comment: The p.I1043V variant (also known as c.3127A>G), located in coding exon 19 of the DICER1 gene, results from an A to G substitution at nucleotide position 3127. The isoleucine at codon 1043 is replaced by valine, an amino acid with highly similar properties. This amino acid position is well conserved in available vertebrate species. In addition, this alteration is predicted to be tolerated by in silico analysis. Since supporting evidence is limited at this time, the clinical significance of this alteration remains unclear.

Baylor Genetics
Classification: Uncertain significance for Global developmental delay - lung cysts - overgrowth - Wilms tumor syndrome. Last evaluated: 2023-09-29. Review status: criteria provided, single submitter. Criteria: ACMG Guidelines, 2015. Collection method: clinical testing. Allele origin: unknown.

GeneDx
Classification: Uncertain significance. Last evaluated: 2023-01-19. Review status: criteria provided, single submitter. Criteria: GeneDx Variant Classification Process June 2021. Collection method: clinical testing. Allele origin: germline. Affected: yes.
Comment: Not observed at significant frequency in large population cohorts (gnomAD); In silico analysis supports that this missense variant does not alter protein structure/function; Has not been previously published as pathogenic or benign to our knowledge

NM_177438.3(DICER1):c.3127A>G (p.Ile1043Val)

Gene: DICER1 (dicer 1, ribonuclease III; minus strand). Cytogenetic location: 14q32.13.
Variant type: single nucleotide variant.
Coding change: c.3127A>G on transcript NM_177438.3 (MANE Select); coding-DNA position 3127, A replaced by G.
Protein change: p.Ile1043Val; replaces isoleucine 1043 with valine.
Molecular consequence: missense variant.
Genome position (GRCh38, 1-based): chr14:95,105,213, T>C on the plus strand (A>G on the coding strand, the complement: DICER1 is on the minus strand). VCF-style: chr14-95105213-T-C. GRCh37 (hg19) VCF-style: chr14-95571550-T-C.
Other names: c.3127A>G, p.Ile1043Val (NM_001195573.1, NM_001271282.3, NM_001291628.2 and 1 more transcripts); short protein forms I1043V.
Identifiers: ClinVar variation 412052 (VCV000412052.20), dbSNP rs1060503592, ClinGen allele CA16614213.